The following is an entry in ClinVar:

NM_001042475.3(CEP85L):c.1661A>C (p.Glu554Ala)

Gene: CEP85L (centrosomal protein 85 like; minus strand). Cytogenetic location: 6q22.31.
Variant type: single nucleotide variant.
Coding change: c.1661A>C on transcript NM_001042475.3 (MANE Select); coding-DNA position 1661, A replaced by C.
Protein change: p.Glu554Ala; replaces glutamic acid 554 with alanine.
Molecular consequence: missense variant.
Genome position (GRCh38, 1-based): chr6:118,481,863, T>G on the plus strand (A>C on the coding strand, the complement: CEP85L is on the minus strand). VCF-style: chr6-118481863-T-G. GRCh37 (hg19) VCF-style: chr6-118803026-T-G.
Other names: c.1670A>C, p.Glu557Ala (NM_001178035.2); short protein forms E554A, E557A.
Identifiers: ClinVar variation 2629138 (VCV002629138.1), dbSNP rs774638980, ClinGen allele CA3977761.

ClinVar aggregate classification (germline): Uncertain significance (1 of 4 stars; one submission).

Conditions:
CEP85L-related disorder. Also called: CEP85L-related condition.

Allele frequency attached by ClinVar (database versions not stated): ExAC 0.00001; gnomAD 0.00001; TOPMed 0.00002.
gnomAD v4.1: 9 of 1,593,160 alleles (0.00056%); highest among the groups gnomAD compares: Admixed American, 0.014%; no homozygotes.

Submission:

PreventionGenetics, part of Exact Sciences
Classification: Uncertain significance for CEP85L-related condition. Last evaluated: 2022-12-14. Review status: criteria provided, single submitter. Criteria: ACMG Guidelines, 2015. Collection method: clinical testing. Allele origin: germline.
Comment: The CEP85L c.1670A>C variant is predicted to result in the amino acid substitution p.Glu557Ala. To our knowledge, this variant has not been reported in the literature. This variant is reported in 0.0062% of alleles in individuals of Latino descent in gnomAD. At this time, the clinical significance of this variant is uncertain due to the absence of conclusive functional and genetic evidence.